The following is an entry in ClinVar:

NM_001034853.2(RPGR):c.3348A>G (p.Lys1116=)

Gene: RPGR (retinitis pigmentosa GTPase regulator; minus strand). Cytogenetic location: Xp11.4.
Variant type: single nucleotide variant.
Coding change: c.3348A>G on transcript NM_001034853.2 (MANE Select); coding-DNA position 3348, A replaced by G.
Protein change: p.Lys1116=; no amino-acid change (lysine 1116 retained).
Molecular consequence: synonymous variant. On other transcripts: intron variant (8).
Genome position (GRCh38, 1-based): chrX:38,285,651, T>C on the plus strand (A>G on the coding strand, the complement: RPGR is on the minus strand). VCF-style: chrX-38285651-T-C. GRCh37 (hg19) VCF-style: chrX-38144904-T-C.
Other names: NM_001034853.2(RPGR):c.3348A>G; p.Lys1116=; c.1569+5308A>G (NM_001367249.1, NM_001367250.1); c.1902+1443A>G (NM_001367245.1); c.1386+5308A>G (NM_001367251.1); c.1719+1443A>G (NM_001367246.1); c.1572+5308A>G (NM_001367247.1); c.1905+1443A>G (NM_000328.3); and 1 more.
Identifiers: ClinVar variation 2430225 (VCV002430225.4), dbSNP rs138405457, ClinGen allele CA10385154.

ClinVar aggregate classification (germline): Benign. Review status: reviewed by expert panel (3 of 4 stars). 3 submissions from 3 submitters: Benign (1). 2 of the submissions do not count toward it. Last evaluated 2025-09-05.

Conditions:
RPGR-related retinopathy. Also called: RPGR retinopathy. Identifiers: MedGen CN305589, MONDO:0100437.

Allele frequency attached by ClinVar (database versions not stated): ExAC 0.00002; TOPMed 0.00005; gnomAD 0.00007; gnomAD exomes 0.00008; ESP Exome Variant Server 0.00009; 1000 Genomes Project 30x 0.00021; 1000 Genomes Project 0.00026.
gnomAD v4.1: 99 of 1,209,649 alleles (0.0082%); highest among the groups gnomAD compares: Non-Finnish European, 0.011%; no homozygotes.

Submissions (3):

ClinGen X-linked Inherited Retinal Disease Variant Curation Expert Panel, ClinGen
Classification: Benign for RPGR-related retinopathy. Last evaluated: 2025-09-05. Review status: reviewed by expert panel. Criteria: ClinGen X LinkedIRD ACMG Specifications RPGR V1.0.0. Collection method: curation. Allele origin: germline. Inheritance: X-linked inheritance.
Comment: NM_001034853.2(RPGR):c.3348A>G (p.Lys1116=) is a synonymous variant in exon 15 of 15 that does not have predicted splicing impact (BP7). The splicing impact predictor SpliceAI gives a delta score of 0.00, which is below the ClinGen X-linked IRD VCEP recommended threshold of <0.1 and does not strongly predict an impact on splicing (BP4). This variant is present in gnomAD v4.1.0 at a frequency of 0.00008308 among hemizygous individuals, with 33 variant alleles / 397,193 total hemizygous alleles, which is higher than the ClinGen X-linked IRD VCEP BA1 threshold of >0.00005 (BA1). In summary, this variant is classified as benign for RPGR-related retinopathy based on the ClinGen X-linked Inherited Retinal Disease Expert Panel Specifications to the ACMG/AMP Variant Interpretation Guidelines for RPGR Version 1.0.0; BA1 and BP4.

PreventionGenetics, part of Exact Sciences
Classification: Likely benign. Last evaluated: 2022-09-30. Review status: criteria provided, single submitter. Criteria: ACMG Guidelines, 2015. Collection method: clinical testing. Allele origin: germline. Not counted in ClinVar's aggregate classification.

Blueprint Genetics
Classification: Likely benign. Last evaluated: 2022-09-25. Review status: criteria provided, single submitter. Criteria: ACMG Guidelines, 2015. Collection method: clinical testing. Allele origin: germline. Not counted in ClinVar's aggregate classification.